The following is an entry in ClinVar:

ClinVar aggregate classification (germline): Likely benign (1 of 4 stars; one submission).

Conditions:
TTC21B-related disorder. Also called: TTC21B-related disorders; TTC21B-related condition.

gnomAD v4.1: 2 of 1,613,010 alleles (0.00012%); highest among the groups gnomAD compares: Non-Finnish European, 0.00017%; no homozygotes.

Submission:

PreventionGenetics, part of Exact Sciences
Classification: Likely benign for TTC21B-related condition. Last evaluated: 2026-04-28. Review status: criteria provided, single submitter. Criteria: ACMG Guidelines, 2015. Collection method: clinical testing. Allele origin: germline.
Comment: This variant is classified as likely benign based on ACMG/AMP sequence variant interpretation guidelines (Richards et al. 2015 PMID: 25741868, with internal and published modifications).

NM_024753.5(TTC21B):c.1308C>T (p.Gly436=)

Gene: TTC21B (tetratricopeptide repeat domain 21B; minus strand). Cytogenetic location: 2q24.3.
Variant type: single nucleotide variant.
Coding change: c.1308C>T on transcript NM_024753.5 (MANE Select); coding-DNA position 1308, C replaced by T.
Protein change: p.Gly436=; no amino-acid change (glycine 436 retained).
Molecular consequence: synonymous variant.
Genome position (GRCh38, 1-based): chr2:165,929,213, G>A on the plus strand (C>T on the coding strand, the complement: TTC21B is on the minus strand). VCF-style: chr2-165929213-G-A. GRCh37 (hg19) VCF-style: chr2-166785723-G-A.
Identifiers: ClinVar variation 4996695 (VCV004996695.1).